The following is an entry in ClinVar:

ClinVar aggregate classification (germline): Uncertain significance. Review status: criteria provided, multiple submitters, no conflicts (2 of 4 stars). 4 submissions from 4 submitters: Uncertain significance (4). Last evaluated 2024-12-18.

Conditions:
Mitochondrial complex I deficiency, nuclear type 17. Also called: Mitochondrial complex 1 deficiency, nuclear type 17. Identifiers: MedGen C4748786, MONDO:0032622, OMIM 618239.
Inborn genetic diseases. Identifiers: MedGen C0950123, MeSH D030342.

Allele frequency attached by ClinVar (database versions not stated): gnomAD 0.00001; gnomAD exomes 0.00001 and 0.00002; TOPMed 0.00001; ExAC 0.00002; 1000 Genomes Project 30x 0.00016; 1000 Genomes Project 0.00020.
gnomAD v4.1: 24 of 1,613,906 alleles (0.0015%); highest among the groups gnomAD compares: African/African-American, 0.004%; no homozygotes.

Submissions (4):

GeneDx
Classification: Uncertain significance. Last evaluated: 2024-12-18. Review status: criteria provided, single submitter. Criteria: GeneDx Variant Classification Process June 2021. Collection method: clinical testing. Allele origin: germline. Affected: yes.
Comment: Not observed at significant frequency in large population cohorts (gnomAD); In silico analysis supports that this missense variant has a deleterious effect on protein structure/function; Has not been previously published as pathogenic or benign to our knowledge

Ambry Genetics
Classification: Uncertain significance for Inborn genetic diseases. Last evaluated: 2023-05-05. Review status: criteria provided, single submitter. Criteria: Ambry Variant Classification Scheme 2023. Collection method: clinical testing. Allele origin: germline.

Labcorp Genetics (formerly Invitae), Labcorp
Classification: Uncertain significance. Last evaluated: 2022-07-06. Review status: criteria provided, single submitter. Criteria: Invitae Variant Classification Sherloc (09022015). Collection method: clinical testing. Allele origin: germline.
Comment: This sequence change replaces arginine, which is basic and polar, with glutamine, which is neutral and polar, at codon 248 of the NDUFAF6 protein (p.Arg248Gln). In summary, the available evidence is currently insufficient to determine the role of this variant in disease. Therefore, it has been classified as a Variant of Uncertain Significance. Algorithms developed to predict the effect of missense changes on protein structure and function are either unavailable or do not agree on the potential impact of this missense change (SIFT: "Deleterious"; PolyPhen-2: "Probably Damaging"; Align-GVGD: "Class C0"). ClinVar contains an entry for this variant (Variation ID: 931255). This variant has not been reported in the literature in individuals affected with NDUFAF6-related conditions. This variant is present in population databases (rs569186576, gnomAD 0.01%).

Centre for Mendelian Genomics, University Medical Centre Ljubljana
Classification: Uncertain significance for Mitochondrial complex I deficiency, nuclear type 17. Last evaluated: 2018-10-12. Review status: criteria provided, single submitter. Criteria: ACMG Guidelines, 2015. Collection method: clinical testing. Allele origin: unknown. Affected: yes.
Comment: This variant was classified as: Uncertain significance. The available evidence on this variant's pathogenicity is insufficient or conflicting. The following ACMG criteria were applied in classifying this variant: PM2,PP3.

NM_152416.4(NDUFAF6):c.743G>A (p.Arg248Gln)

Gene: NDUFAF6 (NADH:ubiquinone oxidoreductase complex assembly factor 6; plus strand). Cytogenetic location: 8q22.1.
Variant type: single nucleotide variant.
Coding change: c.743G>A on transcript NM_152416.4 (MANE Select); coding-DNA position 743, G replaced by A.
Protein change: p.Arg248Gln; replaces arginine 248 with glutamine.
Molecular consequence: missense variant. On other transcripts: non-coding transcript variant (6).
Genome position (GRCh38, 1-based): chr8:95,048,485, G>A. VCF-style: chr8-95048485-G-A. GRCh37 (hg19) VCF-style: chr8-96060713-G-A.
Other names: c.467G>A, p.Arg156Gln (NM_001330582.2, NM_001354514.2, NM_001354515.2 and 1 more transcripts); c.587G>A, p.Arg196Gln (NM_001354516.2); c.410G>A, p.Arg137Gln (NM_001354517.2, NM_001354518.2, NM_001354519.2 and 1 more transcripts); c.287G>A, p.Arg96Gln (NM_001354522.2, NM_001354524.2, NM_001354525.2 and 7 more transcripts); c.743G>A (NM_152416.2); short protein forms R137Q, R196Q, R96Q, R156Q, R248Q.
Identifiers: ClinVar variation 931255 (VCV000931255.10), dbSNP rs569186576, ClinGen allele CA4814897.